The following is an entry in ClinVar:

ClinVar aggregate classification (germline): Uncertain significance. Review status: criteria provided, multiple submitters, no conflicts (2 of 4 stars). 2 submissions from 2 submitters: Uncertain significance (2). Last evaluated 2022-03-18.

Conditions:
Hereditary nonpolyposis colorectal neoplasms. Identifiers: MedGen C0009405, MeSH D003123.
Hereditary cancer-predisposing syndrome. Also called: Tumor predisposition; Hereditary Cancer Syndrome; Neoplastic Syndromes, Hereditary; Hereditary neoplastic syndrome. Identifiers: Orphanet 140162, MedGen C0027672, MeSH D009386, MONDO:0015356.

Submissions (2):

Ambry Genetics
Classification: Uncertain significance for Hereditary cancer-predisposing syndrome. Last evaluated: 2022-03-18. Review status: criteria provided, single submitter. Criteria: Ambry Variant Classification Scheme 2023. Collection method: clinical testing. Allele origin: germline.
Comment: The p.S9R variant (also known as c.27C>A), located in coding exon 1 of the MSH6 gene, results from a C to A substitution at nucleotide position 27. The serine at codon 9 is replaced by arginine, an amino acid with dissimilar properties. This amino acid position is well conserved in available vertebrate species. In addition, the in silico prediction for this alteration is inconclusive. Since supporting evidence is limited at this time, the clinical significance of this alteration remains unclear.

Labcorp Genetics (formerly Invitae), Labcorp
Classification: Uncertain significance for Hereditary nonpolyposis colorectal neoplasms. Last evaluated: 2020-12-14. Review status: criteria provided, single submitter. Criteria: Invitae Variant Classification Sherloc (09022015). Collection method: clinical testing. Allele origin: germline.
Comment: In summary, the available evidence is currently insufficient to determine the role of this variant in disease. Therefore, it has been classified as a Variant of Uncertain Significance. Advanced modeling of protein sequence and biophysical properties (such as structural, functional, and spatial information, amino acid conservation, physicochemical variation, residue mobility, and thermodynamic stability) performed at Invitae indicates that this missense variant is not expected to disrupt MSH6 protein function. This variant has not been reported in the literature in individuals with MSH6-related conditions. ClinVar contains an entry for this variant (Variation ID: 821829). This variant is not present in population databases (ExAC no frequency). This sequence change replaces serine with arginine at codon 9 of the MSH6 protein (p.Ser9Arg). The serine residue is moderately conserved and there is a moderate physicochemical difference between serine and arginine.

NM_000179.3(MSH6):c.27C>A (p.Ser9Arg)

Gene: MSH6 (mutS homolog 6; plus strand). Cytogenetic location: 2p16.3.
Variant type: single nucleotide variant.
Coding change: c.27C>A on transcript NM_000179.3 (MANE Select); coding-DNA position 27, C replaced by A.
Protein change: p.Ser9Arg; replaces serine 9 with arginine.
Molecular consequence: missense variant. On other transcripts: 5 prime UTR variant (1).
Genome position (GRCh38, 1-based): chr2:47,783,260, C>A. VCF-style: chr2-47783260-C-A. GRCh37 (hg19) VCF-style: chr2-48010399-C-A.
Other names: c.27C>A, p.Ser9Arg (NM_001281492.2); c.-710C>A (NM_001281493.2); short protein forms S9R.
Identifiers: ClinVar variation 821829 (VCV000821829.12), dbSNP rs1572697773, ClinGen allele CA346734509.